The following is an entry in ClinVar:

ClinVar aggregate classification (germline): Conflicting classifications of pathogenicity. Review status: criteria provided, conflicting classifications (1 of 4 stars). 2 submissions from 2 submitters: Uncertain significance (1); Likely benign (1). Last evaluated 2025-01-29.

Conditions:
Neurofibromatosis, type 1 (NF1). Also called: NEUROFIBROMATOSIS, TYPE I, SOMATIC; Peripheral type neurofibromatosis; Neurofibromatosis, type I; VON RECKLINGHAUSEN DISEASE. Identifiers: Orphanet 636, MedGen C0027831, MONDO:0018975, OMIM 162200. Disease mechanism: loss of function.

Allele frequency attached by ClinVar (database versions not stated): gnomAD exomes below 0.00001.
gnomAD v4.1: 1 of 1,598,656 alleles (0.000063%); highest among the groups gnomAD compares: Non-Finnish European, 0.000086%; no homozygotes.

Submissions (2):

Labcorp Genetics (formerly Invitae), Labcorp
Classification: Likely benign for Neurofibromatosis, type 1. Last evaluated: 2025-01-29. Review status: criteria provided, single submitter. Criteria: Invitae Variant Classification Sherloc (09022015). Collection method: clinical testing. Allele origin: germline.

GeneDx
Classification: Uncertain significance. Last evaluated: 2019-04-17. Review status: criteria provided, single submitter. Criteria: GeneDx Variant Classification Process June 2021. Collection method: clinical testing. Allele origin: germline. Affected: yes.
Comment: Not observed in large population cohorts (Lek et al., 2016); In silico analysis, which includes splice predictors and evolutionary conservation, supports that this variant does not alter protein structure/function; Has not been previously published as pathogenic or benign to our knowledge

NM_001042492.3(NF1):c.655-9T>C

Gene: NF1 (neurofibromin 1; plus strand). Cytogenetic location: 17q11.2.
Variant type: single nucleotide variant.
Coding change: c.655-9T>C on transcript NM_001042492.3 (MANE Select); 9 bases into the intron before coding-DNA position 655, T replaced by C.
Molecular consequence: intron variant.
Genome position (GRCh38, 1-based): chr17:31,181,701, T>C. VCF-style: chr17-31181701-T-C. GRCh37 (hg19) VCF-style: chr17-29508719-T-C.
Other names: c.655-9T>C (NM_000267.4, NM_001128147.3).
Identifiers: ClinVar variation 1315591 (VCV001315591.9), dbSNP rs2143777099, ClinGen allele CA2573054369.